The following is an entry in ClinVar:

ClinVar aggregate classification (germline): Uncertain significance (1 of 4 stars; one submission).

Submission:

Ambry Genetics
Classification: Uncertain significance. Last evaluated: 2020-11-04. Review status: criteria provided, single submitter. Criteria: Ambry Variant Classification Scheme 2023. Collection method: clinical testing. Allele origin: germline.
Comment: The p.A483V variant (also known as c.1448C>T) is located in coding exon 12 of the RECQL gene. The alanine at codon 483 is replaced by valine, an amino acid with similar properties. This change occurs in the first base pair of coding exon 12. This amino acid position is poorly conserved in available vertebrate species. In addition, this alteration is predicted to be tolerated by in silico analysis. Since supporting evidence is limited at this time, the clinical significance of this alteration remains unclear.

NM_002907.4(RECQL):c.1448C>T (p.Ala483Val)

Gene: RECQL (RecQ like helicase; minus strand). Cytogenetic location: 12p12.1.
Variant type: single nucleotide variant.
Coding change: c.1448C>T on transcript NM_002907.4 (MANE Select); coding-DNA position 1448, C replaced by T.
Protein change: p.Ala483Val; replaces alanine 483 with valine.
Molecular consequence: missense variant.
Genome position (GRCh38, 1-based): chr12:21,471,647, G>A on the plus strand (C>T on the coding strand, the complement: RECQL is on the minus strand). VCF-style: chr12-21471647-G-A. GRCh37 (hg19) VCF-style: chr12-21624581-G-A.
Other names: c.1448C>T, p.Ala483Val (NM_032941.3); short protein forms A483V.
Identifiers: ClinVar variation 1772838 (VCV001772838.2), dbSNP rs779099686, ClinGen allele CA384116402.
Genomic context (GRCh38, chr12:21,471,647, plus strand): 5'-GCCTGCTTCAGGATCTTGATTAGATCTCTGCAGTACTCTGTTATGTTCTTTCTTTCAAAT[G>A]CTGTAATAAAACAAATATGGTAGCAGGTAATTAGGATTTAGAAATGAGGGCAAAGATAGG-3'
Protein context (NP_002898.2, residues 473-493): KMCDNCCKDS[Ala483Val]FERKNITEYC